The following is an entry in ClinVar:

ClinVar aggregate classification (germline): Uncertain significance. Review status: criteria provided, multiple submitters, no conflicts (2 of 4 stars). 3 submissions from 3 submitters: Uncertain significance (3). Last evaluated 2023-05-15.

Conditions:
Dilated cardiomyopathy 1KK (CMD1KK). Identifiers: Orphanet 154, Orphanet 75249, MedGen C3714995, MONDO:0014100, OMIM 615248.
Cardiovascular phenotype. Identifiers: MedGen CN230736.
MYPN-related myopathy (CMYO24). Also called: Nemaline myopathy 11, autosomal recessive. Identifiers: MedGen C4479186, MONDO:0015023, OMIM 617336.

Allele frequency attached by ClinVar (database versions not stated): TOPMed 0.00004.
gnomAD v4.1: 21 of 1,613,990 alleles (0.0013%); highest among the groups gnomAD compares: Non-Finnish European, 0.0018%; no homozygotes.

Submissions (3):

Ambry Genetics
Classification: Uncertain significance for Cardiovascular phenotype. Last evaluated: 2023-05-15. Review status: criteria provided, single submitter. Criteria: Ambry Variant Classification Scheme 2023. Collection method: clinical testing. Allele origin: germline.
Comment: The p.A1148S variant (also known as c.3442G>T), located in coding exon 16 of the MYPN gene, results from a G to T substitution at nucleotide position 3442. The alanine at codon 1148 is replaced by serine, an amino acid with similar properties. This amino acid position is highly conserved in available vertebrate species. In addition, this alteration is predicted to be deleterious by in silico analysis. Since supporting evidence is limited at this time, the clinical significance of this alteration remains unclear.

Fulgent Genetics
Classification: Uncertain significance for Dilated cardiomyopathy 1KK; MYPN-related myopathy. Last evaluated: 2021-11-11. Review status: criteria provided, single submitter. Criteria: ACMG Guidelines, 2015. Collection method: clinical testing. Allele origin: unknown.

Labcorp Genetics (formerly Invitae), Labcorp
Classification: Uncertain significance for Dilated cardiomyopathy 1KK. Last evaluated: 2021-08-31. Review status: criteria provided, single submitter. Criteria: Invitae Variant Classification Sherloc (09022015). Collection method: clinical testing. Allele origin: germline.
Comment: This sequence change replaces alanine with serine at codon 1148 of the MYPN protein (p.Ala1148Ser). The alanine residue is highly conserved and there is a moderate physicochemical difference between alanine and serine. This variant is not present in population databases (ExAC no frequency). This variant has not been reported in the literature in individuals affected with MYPN-related conditions. Algorithms developed to predict the effect of missense changes on protein structure and function are either unavailable or do not agree on the potential impact of this missense change (SIFT: "Deleterious"; PolyPhen-2: "Probably Damaging"; Align-GVGD: "Class C0"). In summary, the available evidence is currently insufficient to determine the role of this variant in disease. Therefore, it has been classified as a Variant of Uncertain Significance.

NM_032578.4(MYPN):c.3442G>T (p.Ala1148Ser)

Gene: MYPN (myopalladin; plus strand). Cytogenetic location: 10q21.3.
Variant type: single nucleotide variant.
Coding change: c.3442G>T on transcript NM_032578.4 (MANE Select); coding-DNA position 3442, G replaced by T.
Protein change: p.Ala1148Ser; replaces alanine 1148 with serine.
Molecular consequence: missense variant. On other transcripts: non-coding transcript variant (2).
Genome position (GRCh38, 1-based): chr10:68,199,524, G>T. VCF-style: chr10-68199524-G-T. GRCh37 (hg19) VCF-style: chr10-69959281-G-T.
Other names: c.3442G>T, p.Ala1148Ser (NM_001256267.2); c.2560G>T, p.Ala854Ser (NM_001256268.2); c.3442G>T (NM_032578.2); short protein forms A1148S, A854S.
Identifiers: ClinVar variation 856304 (VCV000856304.10), dbSNP rs200390297, ClinGen allele CA208226222.